The following is an entry in ClinVar:

NC_000017.10:g.(?_17135108)_(17136215_?)dup

Gene: FLCN (folliculin; minus strand). Cytogenetic location: 17p11.2.
Variant type: Duplication.
Identifiers: ClinVar variation 649060 (VCV000649060.3).

ClinVar aggregate classification (germline): Uncertain significance (1 of 4 stars; one submission).

Conditions:
Birt-Hogg-Dube syndrome. Also called: Birt Hogg Dubé syndrome. Identifiers: Orphanet 122, MedGen C0346010, MONDO:0800444.

Submission:

Labcorp Genetics (formerly Invitae), Labcorp
Classification: Uncertain significance for Birt-Hogg-Dube syndrome. Last evaluated: 2023-03-07. Review status: criteria provided, single submitter. Criteria: Invitae Variant Classification Sherloc (09022015). Collection method: clinical testing. Allele origin: germline.
Comment: In summary, the available evidence is currently insufficient to determine the role of this variant in disease. Therefore, it has been classified as a Variant of Uncertain Significance. Experimental studies and prediction algorithms are not available or were not evaluated, and the functional significance of this variant is currently unknown. This variant has not been reported in the literature in individuals affected with FLCN-related conditions. This variant occurs in a non-coding region of the FLCN gene. It does not change the encoded amino acid sequence of the FLCN protein.